The following is an entry in ClinVar:

ClinVar aggregate classification (germline): Uncertain significance (1 of 4 stars; one submission).

Allele frequency attached by ClinVar (database versions not stated): gnomAD exomes below 0.00001; TOPMed below 0.00001.
gnomAD v4.1: 6 of 1,609,702 alleles (0.00037%); highest among the groups gnomAD compares: Non-Finnish European, 0.00051%; no homozygotes.

Submission:

Labcorp Genetics (formerly Invitae), Labcorp
Classification: Uncertain significance. Last evaluated: 2021-12-07. Review status: criteria provided, single submitter. Criteria: Invitae Variant Classification Sherloc (09022015). Collection method: clinical testing. Allele origin: germline.
Comment: Algorithms developed to predict the effect of missense changes on protein structure and function are either unavailable or do not agree on the potential impact of this missense change (SIFT: "Deleterious"; PolyPhen-2: "Probably Damaging"; Align-GVGD: "Class C0"). In summary, the available evidence is currently insufficient to determine the role of this variant in disease. Therefore, it has been classified as a Variant of Uncertain Significance. This variant has not been reported in the literature in individuals affected with SAMD11-related conditions. This variant is present in population databases (no rsID available, gnomAD 0.006%). This sequence change replaces glutamic acid, which is acidic and polar, with lysine, which is basic and polar, at codon 580 of the SAMD11 protein (p.Glu580Lys).

NM_001385641.1(SAMD11):c.2227G>A (p.Glu743Lys)

Gene: SAMD11 (sterile alpha motif domain containing 11; plus strand). Cytogenetic location: 1p36.33.
Variant type: single nucleotide variant.
Coding change: c.2227G>A on transcript NM_001385641.1 (MANE Select); coding-DNA position 2227, G replaced by A.
Protein change: p.Glu743Lys; replaces glutamic acid 743 with lysine.
Molecular consequence: missense variant.
Genome position (GRCh38, 1-based): chr1:943,746, G>A. VCF-style: chr1-943746-G-A. GRCh37 (hg19) VCF-style: chr1-879126-G-A.
Other names: c.2230G>A, p.Glu744Lys (NM_001385640.1); c.1738G>A, p.Glu580Lys (NM_152486.4); short protein forms E580K, E743K, E744K.
Identifiers: ClinVar variation 2037032 (VCV002037032.4), dbSNP rs1348392674, ClinGen allele CA337816789.